The following is an entry in ClinVar:

ClinVar aggregate classification (germline): Uncertain significance (1 of 4 stars; one submission).

Conditions:
Pitt-Hopkins-like syndrome 2 (PTHSL2). Identifiers: Orphanet 221150, Orphanet 600663, MedGen C3280479, MONDO:0013690, OMIM 614325.

Submission:

Labcorp Genetics (formerly Invitae), Labcorp
Classification: Uncertain significance for Pitt-Hopkins-like syndrome 2. Last evaluated: 2024-05-23. Review status: criteria provided, single submitter. Criteria: Invitae Variant Classification Sherloc (09022015). Collection method: clinical testing. Allele origin: germline.
Comment: This sequence change replaces valine, which is neutral and non-polar, with leucine, which is neutral and non-polar, at codon 138 of the NRXN1 protein (p.Val138Leu). This variant is not present in population databases (gnomAD no frequency). This variant has not been reported in the literature in individuals affected with NRXN1-related conditions. An algorithm developed to predict the effect of missense changes on protein structure and function (PolyPhen-2) suggests that this variant is likely to be tolerated. In summary, the available evidence is currently insufficient to determine the role of this variant in disease. Therefore, it has been classified as a Variant of Uncertain Significance.

NM_001330078.2(NRXN1):c.412G>C (p.Val138Leu)

Gene: NRXN1 (neurexin 1; minus strand). Cytogenetic location: 2p16.3.
Variant type: single nucleotide variant.
Coding change: c.412G>C on transcript NM_001330078.2 (MANE Select); coding-DNA position 412, G replaced by C.
Protein change: p.Val138Leu; replaces valine 138 with leucine.
Molecular consequence: missense variant.
Genome position (GRCh38, 1-based): chr2:51,027,862, C>G on the plus strand (G>C on the coding strand, the complement: NRXN1 is on the minus strand). VCF-style: chr2-51027862-C-G. GRCh37 (hg19) VCF-style: chr2-51255000-C-G.
Other names: c.412G>C, p.Val138Leu (NM_001135659.3, NM_001330077.2, NM_001330079.2 and 15 more transcripts); short protein forms V138L.
Identifiers: ClinVar variation 3633310 (VCV003633310.2).